The following is an entry in ClinVar:

NM_000465.4(BARD1):c.1817A>C (p.His606Pro)

Gene: BARD1 (BRCA1 associated RING domain 1; minus strand). Cytogenetic location: 2q35.
Variant type: single nucleotide variant.
Coding change: c.1817A>C on transcript NM_000465.4 (MANE Select); coding-DNA position 1817, A replaced by C.
Protein change: p.His606Pro; replaces histidine 606 with proline.
Molecular consequence: missense variant. On other transcripts: non-coding transcript variant (3), intron variant (1).
Genome position (GRCh38, 1-based): chr2:214,745,153, T>G on the plus strand (A>C on the coding strand, the complement: BARD1 is on the minus strand). VCF-style: chr2-214745153-T-G. GRCh37 (hg19) VCF-style: chr2-215609877-T-G.
Other names: c.1760A>C, p.His587Pro (NM_001282543.2); c.464A>C, p.His155Pro (NM_001282545.2); c.407A>C, p.His136Pro (NM_001282548.2); c.365-14645A>C (NM_001282549.2); short protein forms H606P, H587P, H136P, H155P.
Identifiers: ClinVar variation 185858 (VCV000185858.7), dbSNP rs786202512, ClinGen allele CA193178.
Genomic context (GRCh38, chr2:214,745,153, plus strand): 5'-TTGAGAATCCCAAGCATACACTTCAAGGTACTTTGAACTGCATCACCAGGAACAACAACA[T>G]GAGTTACTAAAATACAAAAAAAGCAGTAAGAGAAAGAAAGATACAAGCCAAAGTATTTCT-3'
Protein context (NP_000456.2, residues 596-616): KYTEFDSTVT[His606Pro]VVVPGDAVQS

ClinVar aggregate classification (germline): Uncertain significance. Review status: criteria provided, multiple submitters, no conflicts (2 of 4 stars). 2 submissions from 2 submitters: Uncertain significance (2). Last evaluated 2024-10-13.

Conditions:
Hereditary cancer-predisposing syndrome. Also called: Hereditary neoplastic syndrome; Neoplastic Syndromes, Hereditary; Tumor predisposition; Hereditary Cancer Syndrome. Identifiers: Orphanet 140162, MedGen C0027672, MeSH D009386, MONDO:0015356.
Familial cancer of breast. Also called: BREAST CANCER, FAMILIAL; Hereditary breast cancer; hereditary breast carcinoma. Identifiers: Orphanet 227535, MedGen C0346153, MONDO:0016419, OMIM 114480. Disease mechanism: loss of function.

Submissions (2):

Labcorp Genetics (formerly Invitae), Labcorp
Classification: Uncertain significance for Familial cancer of breast. Last evaluated: 2024-10-13. Review status: criteria provided, single submitter. Criteria: Invitae Variant Classification Sherloc (09022015). Collection method: clinical testing. Allele origin: germline.
Comment: This sequence change replaces histidine, which is basic and polar, with proline, which is neutral and non-polar, at codon 606 of the BARD1 protein (p.His606Pro). This variant is not present in population databases (gnomAD no frequency). This variant has not been reported in the literature in individuals affected with BARD1-related conditions. ClinVar contains an entry for this variant (Variation ID: 185858). An algorithm developed to predict the effect of missense changes on protein structure and function (PolyPhen-2) suggests that this variant is likely to be disruptive. In summary, the available evidence is currently insufficient to determine the role of this variant in disease. Therefore, it has been classified as a Variant of Uncertain Significance.

Ambry Genetics
Classification: Uncertain significance for Hereditary cancer-predisposing syndrome. Last evaluated: 2014-08-05. Review status: criteria provided, single submitter. Criteria: Ambry Variant Classification Scheme 2023. Collection method: clinical testing. Allele origin: germline.
Comment: The p.H606P variant (also known as c.1817A>C), located in coding exon 9 of the BARD1 gene, results from an A to C substitution at nucleotide position 1817. The histidine at codon 606 is replaced by proline, an amino acid with similar properties. This variant was not reported in population based cohorts in the following databases: Database of Single Nucleotide Polymorphisms (dbSNP), NHLBI Exome Sequencing Project (ESP), and 1000 Genomes Project. In the ESP, this variant was not observed in 6503 samples (13006 alleles) with coverage at this position. To date, this alteration has been detected with an allele frequency of approximately 0.004% (greater than 22000 alleles tested) in our clinical cohort. This amino acid position is highly conserved in available vertebrate species. In addition, this alteration is predicted to be probably damaging and deleterious by PolyPhen and SIFT in silico analyses, respectively. Since supporting evidence is limited at this time, the clinical significance of p.H606P remains unclear.